The following is an entry in ClinVar:

ClinVar aggregate classification (germline): Pathogenic (1 of 4 stars; one submission).

Conditions:
Joubert syndrome. Also called: CEREBELLOPARENCHYMAL DISORDER IV; JOUBERT-BOLTSHAUSER SYNDROME; Familial aplasia of the vermis. Identifiers: Orphanet 475, MedGen C5979921, MONDO:0018772.

Submission:

Labcorp Genetics (formerly Invitae), Labcorp
Classification: Pathogenic for Joubert syndrome. Last evaluated: 2024-01-31. Review status: criteria provided, single submitter. Criteria: Invitae Variant Classification Sherloc (09022015). Collection method: clinical testing. Allele origin: germline.
Comment: This sequence change creates a premature translational stop signal (p.Glu175*) in the AHI1 gene. It is expected to result in an absent or disrupted protein product. Loss-of-function variants in AHI1 are known to be pathogenic (PMID: 15322546, 16453322, 28442542, 29186038). This variant is not present in population databases (gnomAD no frequency). This variant has not been reported in the literature in individuals affected with AHI1-related conditions. For these reasons, this variant has been classified as Pathogenic.

Literature cited by the submitters: PubMed 15322546; PubMed 16453322; PubMed 28442542; PubMed 29186038.

NM_001134831.2(AHI1):c.523G>T (p.Glu175Ter)

Gene: AHI1 (Abelson helper integration site 1; minus strand). Cytogenetic location: 6q23.3.
Variant type: single nucleotide variant.
Coding change: c.523G>T on transcript NM_001134831.2 (MANE Select); coding-DNA position 523, G replaced by T.
Protein change: p.Glu175Ter; replaces glutamic acid 175 with a stop codon.
Molecular consequence: nonsense.
Genome position (GRCh38, 1-based): chr6:135,466,040, C>A on the plus strand (G>T on the coding strand, the complement: AHI1 is on the minus strand). VCF-style: chr6-135466040-C-A. GRCh37 (hg19) VCF-style: chr6-135787178-C-A.
Other names: c.523G>T, p.Glu175Ter (NM_017651.5, NM_001134830.2, NM_001134832.2 and 2 more transcripts); short protein forms E175*.
Identifiers: ClinVar variation 2825617 (VCV002825617.3), dbSNP rs751749918, ClinGen allele CA365751478.